The following is an entry in ClinVar:

ClinVar aggregate classification (germline): Uncertain significance. Review status: criteria provided, multiple submitters, no conflicts (2 of 4 stars). 2 submissions from 2 submitters: Uncertain significance (2). Last evaluated 2025-06-02.

Conditions:
RYR1-related disorder. Also called: RYR1-related condition; RYR1-related disorders. Identifiers: MedGen CN239331.

Submissions (2):

GeneDx
Classification: Uncertain significance. Last evaluated: 2025-06-02. Review status: criteria provided, single submitter. Criteria: GeneDx Variant Classification Process June 2021. Collection method: clinical testing. Allele origin: germline. Affected: yes.
Comment: Not observed at significant frequency in large population cohorts (gnomAD); In silico analysis suggests that this missense variant does not alter protein structure/function; Has not been previously published as pathogenic or benign to our knowledge

Labcorp Genetics (formerly Invitae), Labcorp
Classification: Uncertain significance for RYR1-related disorder. Last evaluated: 2024-07-21. Review status: criteria provided, single submitter. Criteria: Invitae Variant Classification Sherloc (09022015). Collection method: clinical testing. Allele origin: germline.
Comment: This sequence change replaces threonine, which is neutral and polar, with alanine, which is neutral and non-polar, at codon 3609 of the RYR1 protein (p.Thr3609Ala). This variant is not present in population databases (gnomAD no frequency). This variant has not been reported in the literature in individuals affected with RYR1-related conditions. ClinVar contains an entry for this variant (Variation ID: 2582196). An algorithm developed to predict the effect of missense changes on protein structure and function (PolyPhen-2) suggests that this variant is likely to be tolerated. In summary, the available evidence is currently insufficient to determine the role of this variant in disease. Therefore, it has been classified as a Variant of Uncertain Significance.

NM_000540.3(RYR1):c.10825A>G (p.Thr3609Ala)

Gene: RYR1 (ryanodine receptor 1; plus strand). Cytogenetic location: 19q13.2.
Variant type: single nucleotide variant.
Coding change: c.10825A>G on transcript NM_000540.3 (MANE Select); coding-DNA position 10825, A replaced by G.
Protein change: p.Thr3609Ala; replaces threonine 3609 with alanine.
Molecular consequence: missense variant.
Genome position (GRCh38, 1-based): chr19:38,528,306, A>G. VCF-style: chr19-38528306-A-G. GRCh37 (hg19) VCF-style: chr19-39018946-A-G.
Other names: c.10810A>G, p.Thr3604Ala (NM_001042723.2); short protein forms T3604A, T3609A.
Identifiers: ClinVar variation 2582196 (VCV002582196.4), dbSNP rs2514494158, ClinGen allele CA405649243.